The following is an entry in ClinVar:

NM_001370259.2(MEN1):c.1123C>G (p.Leu375Val)

Gene: MEN1 (menin 1; minus strand). Cytogenetic location: 11q13.1.
Variant type: single nucleotide variant.
Coding change: c.1123C>G on transcript NM_001370259.2 (MANE Select); coding-DNA position 1123, C replaced by G.
Protein change: p.Leu375Val; replaces leucine 375 with valine.
Molecular consequence: missense variant.
Genome position (GRCh38, 1-based): chr11:64,805,697, G>C on the plus strand (C>G on the coding strand, the complement: MEN1 is on the minus strand). VCF-style: chr11-64805697-G-C. GRCh37 (hg19) VCF-style: chr11-64573169-G-C.
Other names: c.1138C>G, p.Leu380Val (NM_000244.4, NM_130800.3, NM_130801.3 and 3 more transcripts); c.1249C>G, p.Leu417Val (NM_001370251.2); c.1123C>G, p.Leu375Val (NM_001370260.2, NM_001370261.2, NM_130799.3); c.1018C>G, p.Leu340Val (NM_001370262.2, NM_001370263.2); short protein forms L375V, L380V, L417V, L340V.
Identifiers: ClinVar variation 485716 (VCV000485716.17), dbSNP rs1211957325, ClinGen allele CA381182444.

ClinVar aggregate classification (germline): Conflicting classifications of pathogenicity. Review status: criteria provided, conflicting classifications (1 of 4 stars). 4 submissions from 4 submitters: Uncertain significance (2); Likely benign (2). Last evaluated 2025-11-22.

Conditions:
Hereditary cancer-predisposing syndrome. Also called: Tumor predisposition; Neoplastic Syndromes, Hereditary; Hereditary Cancer Syndrome; Hereditary neoplastic syndrome. Identifiers: Orphanet 140162, MedGen C0027672, MeSH D009386, MONDO:0015356.
Multiple endocrine neoplasia, type 1 (MEN1). Also called: MEA I; MEN I; WERMER SYNDROME; Endocrine adenomatosis multiple; MEN 1. Identifiers: Orphanet 652, MedGen C0025267, MeSH D018761, MONDO:0007540, OMIM 131100.

Allele frequency attached by ClinVar (database versions not stated): gnomAD exomes below 0.00001.
gnomAD v4.1: 6 of 1,614,208 alleles (0.00037%); highest among the groups gnomAD compares: Non-Finnish European, 0.000085%; no homozygotes.

Submissions (4):

Labcorp Genetics (formerly Invitae), Labcorp
Classification: Likely benign for Multiple endocrine neoplasia, type 1. Last evaluated: 2025-11-22. Review status: criteria provided, single submitter. Criteria: Invitae Variant Classification Sherloc (09022015). Collection method: clinical testing. Allele origin: germline.

Ambry Genetics
Classification: Likely benign for Hereditary cancer-predisposing syndrome. Last evaluated: 2025-05-29. Review status: criteria provided, single submitter. Criteria: Ambry Variant Classification Scheme 2023. Collection method: clinical testing. Allele origin: germline.

All of Us Research Program, National Institutes of Health
Classification: Uncertain significance for Multiple endocrine neoplasia, type 1. Last evaluated: 2024-07-29. Review status: criteria provided, single submitter. Criteria: ACMG Guidelines, 2015. Collection method: clinical testing. Allele origin: germline. Inheritance: Autosomal dominant inheritance. Observed: 3 variant alleles, 3 heterozygotes.
Comment: This missense variant replaces leucine with valine at codon 375 of the MEN1 protein. Computational prediction is inconclusive regarding the impact of this variant on protein structure and function (internally defined REVEL score threshold 0.5 < inconclusive < 0.7, PMID: 27666373). To our knowledge, functional studies have not been reported for this variant. This variant has not been reported in individuals affected with hereditary cancer in the literature. This variant has been identified in 1/251460 chromosomes in the general population by the Genome Aggregation Database (gnomAD). The available evidence is insufficient to determine the role of this variant in disease conclusively. Therefore, this variant is classified as a Variant of Uncertain Significance.

This study involves interpretation of variants in research participants for the purpose of population health screening. Participant phenotype was not available at the time of variant classification. Additional details can be found in publication PMID: 35346344, PMCID: PMC8962531

Color Diagnostics, LLC DBA Color Health
Classification: Uncertain significance for Multiple endocrine neoplasia, type 1. Last evaluated: 2024-07-17. Review status: criteria provided, single submitter. Criteria: ACMG Guidelines, 2015. Collection method: clinical testing. Allele origin: germline.
Comment: This missense variant replaces leucine with valine at codon 375 of the MEN1 protein. Computational prediction is inconclusive regarding the impact of this variant on protein structure and function. To our knowledge, functional studies have not been reported for this variant. This variant has not been reported in individuals affected with hereditary cancer in the literature. This variant has been identified in 1/251460 chromosomes in the general population by the Genome Aggregation Database (gnomAD). The available evidence is insufficient to determine the role of this variant in disease conclusively. Therefore, this variant is classified as a Variant of Uncertain Significance.

Literature cited by the submitters: PubMed 15670192 (cited by Ambry Genetics).